The following is an entry in ClinVar:

ClinVar aggregate classification (germline): Uncertain significance (1 of 4 stars; one submission).

Allele frequency attached by ClinVar (database versions not stated): TOPMed below 0.00001.

Submission:

Ambry Genetics
Classification: Uncertain significance. Last evaluated: 2023-02-12. Review status: criteria provided, single submitter. Criteria: Ambry Variant Classification Scheme 2023. Collection method: clinical testing. Allele origin: germline.
Comment: The p.K111E variant (also known as c.331A>G), located in coding exon 1 of the EGLN1 gene, results from an A to G substitution at nucleotide position 331. The lysine at codon 111 is replaced by glutamic acid, an amino acid with similar properties. This amino acid position is conserved. In addition, this alteration is predicted to be tolerated by in silico analysis. Since supporting evidence is limited at this time, the clinical significance of this alteration remains unclear.

NM_022051.3(EGLN1):c.331A>G (p.Lys111Glu)

Gene: EGLN1 (egl-9 family hypoxia inducible factor 1; minus strand). Cytogenetic location: 1q42.2.
Variant type: single nucleotide variant.
Coding change: c.331A>G on transcript NM_022051.3 (MANE Select); coding-DNA position 331, A replaced by G.
Protein change: p.Lys111Glu; replaces lysine 111 with glutamic acid.
Molecular consequence: missense variant.
Genome position (GRCh38, 1-based): chr1:231,421,558, T>C on the plus strand (A>G on the coding strand, the complement: EGLN1 is on the minus strand). VCF-style: chr1-231421558-T-C. GRCh37 (hg19) VCF-style: chr1-231557304-T-C.
Other names: c.331A>G, p.Lys111Glu (NM_001377260.1, NM_001377261.1); short protein forms K111E.
Identifiers: ClinVar variation 2457201 (VCV002457201.2), dbSNP rs1656608638, ClinGen allele CA345237674.
Genomic context (GRCh38, chr1:231,421,558, plus strand): 5'-CGGCCGCACGACACGGCGACGCGGCCGCCGCTGGGTCGGCCGGGGGCTTGGCCTTTACTT[T>C]TCCCTTGGCCGCGTCCCCGGAGGCGTTGTCCCGGCGCGCCGCTGCCTTCCTGGGCTCCCG-3'
Protein context (NP_071334.1, residues 101-121): DNASGDAAKG[Lys111Glu]VKAKPPADPA